The following is an entry in ClinVar:

NM_006231.4(POLE):c.2672C>G (p.Ser891Cys)

Gene: POLE (DNA polymerase epsilon, catalytic subunit; minus strand). Cytogenetic location: 12q24.33.
Variant type: single nucleotide variant.
Coding change: c.2672C>G on transcript NM_006231.4 (MANE Select); coding-DNA position 2672, C replaced by G.
Protein change: p.Ser891Cys; replaces serine 891 with cysteine.
Molecular consequence: missense variant.
Genome position (GRCh38, 1-based): chr12:132,664,038, G>C on the plus strand (C>G on the coding strand, the complement: POLE is on the minus strand). VCF-style: chr12-132664038-G-C. GRCh37 (hg19) VCF-style: chr12-133240624-G-C.
Other names: short protein forms S891C.
Identifiers: ClinVar variation 1036038 (VCV001036038.8), dbSNP rs2042735587, ClinGen allele CA387395214.
Genomic context (GRCh38, chr12:132,664,038, plus strand): 5'-TTCAGGACCAGAGGCCCCAGACTCACCTTGACCATGATGTTCAACATGGCGCCTGGGTAG[G>C]AGATGGTCACTTTGGGCTTCTTCACATTGGTCGTCTTGAAGACAAAATTTTCTGGGAAGC-3'
Protein context (NP_006222.2, residues 881-901): TNVKKPKVTI[Ser891Cys]YPGAMLNIMV

ClinVar aggregate classification (germline): Uncertain significance (1 of 4 stars; one submission).

Submission:

Labcorp Genetics (formerly Invitae), Labcorp
Classification: Uncertain significance. Last evaluated: 2025-10-08. Review status: criteria provided, single submitter. Criteria: Invitae Variant Classification Sherloc (09022015). Collection method: clinical testing. Allele origin: germline.
Comment: This sequence change replaces serine, which is neutral and polar, with cysteine, which is neutral and slightly polar, at codon 891 of the POLE protein (p.Ser891Cys). This variant is not present in population databases (gnomAD no frequency). This variant has not been reported in the literature in individuals affected with POLE-related conditions. ClinVar contains an entry for this variant (Variation ID: 1036038). Invitae Evidence Modeling of protein sequence and biophysical properties (such as structural, functional, and spatial information, amino acid conservation, physicochemical variation, residue mobility, and thermodynamic stability) indicates that this missense variant is expected to disrupt POLE protein function with a positive predictive value of 80%. In summary, the available evidence is currently insufficient to determine the role of this variant in disease. Therefore, it has been classified as a Variant of Uncertain Significance.